The following is an entry in ClinVar:

NM_025137.4(SPG11):c.5598C>A (p.Cys1866Ter)

Gene: SPG11 (SPG11 vesicle trafficking associated, spatacsin; minus strand). Cytogenetic location: 15q21.1.
Variant type: single nucleotide variant.
Coding change: c.5598C>A on transcript NM_025137.4 (MANE Select); coding-DNA position 5598, C replaced by A.
Protein change: p.Cys1866Ter; replaces cysteine 1866 with a stop codon.
Molecular consequence: nonsense.
Genome position (GRCh38, 1-based): chr15:44,584,082, G>T on the plus strand (C>A on the coding strand, the complement: SPG11 is on the minus strand). VCF-style: chr15-44584082-G-T. GRCh37 (hg19) VCF-style: chr15-44876280-G-T.
Other names: c.5454C>A, p.Cys1818Ter (NM_001411132.1); c.5598C>A, p.Cys1866Ter (NM_001160227.2); short protein forms C1818*, C1866*.
Identifiers: ClinVar variation 2879881 (VCV002879881.3), dbSNP rs570599267, ClinGen allele CA392221957.
Genomic context (GRCh38, chr15:44,584,082, plus strand): 5'-CAGTAGGCGCCCAATCAAAAAGTTTAGTGACTCCTGCTCTTTCCAATCCAATCTATTCTC[G>T]CATGTCTCTTTGGATGGAAGGCTGTTAAGTTCTAAGTATTTTGATGTGTTCAGAGCAGCC-3'

ClinVar aggregate classification (germline): Pathogenic (1 of 4 stars; one submission).

Conditions:
Hereditary spastic paraplegia 11. Also called: Nakamura Osame syndrome; Autosomal recessive hereditary spastic paraplegia, mental impairment, and thin corpus callosum; Spastic paraplegia, mental retardation and thin corpus callosum; Spastic Paraplegia 11; SPASTIC PARAPLEGIA, AUTOSOMAL RECESSIVE, COMPLICATED, WITH THIN CORPUS CALLOSUM; SPASTIC PARAPLEGIA, AUTOSOMAL RECESSIVE, WITH MENTAL IMPAIRMENT AND THIN CORPUS CALLOSUM. Identifiers: Orphanet 2822, MedGen C1858479, MONDO:0011445, OMIM 604360.

gnomAD v4.1: 1 of 1,614,186 alleles (0.000062%); highest among the groups gnomAD compares: Non-Finnish European, 0.000085%; no homozygotes.

Submission:

Labcorp Genetics (formerly Invitae), Labcorp
Classification: Pathogenic for Hereditary spastic paraplegia 11. Last evaluated: 2023-01-28. Review status: criteria provided, single submitter. Criteria: Invitae Variant Classification Sherloc (09022015). Collection method: clinical testing. Allele origin: germline.
Comment: This sequence change creates a premature translational stop signal (p.Cys1866*) in the SPG11 gene. It is expected to result in an absent or disrupted protein product. Loss-of-function variants in SPG11 are known to be pathogenic (PMID: 19105190, 20110243, 22154821, 26556829). This variant is present in population databases (no rsID available, gnomAD 0.0009%). This variant has not been reported in the literature in individuals affected with SPG11-related conditions. For these reasons, this variant has been classified as Pathogenic.

Literature cited by the submitters: PubMed 19105190; PubMed 20110243; PubMed 22154821; PubMed 26556829.